The following is an entry in ClinVar:

ClinVar aggregate classification (germline): Conflicting classifications of pathogenicity. Review status: criteria provided, conflicting classifications (1 of 4 stars). 7 submissions from 7 submitters: Uncertain significance (1); Benign (1); Likely benign (5). Last evaluated 2026-06-02.

Conditions:
Hereditary cancer-predisposing syndrome. Also called: Tumor predisposition; Hereditary Cancer Syndrome; Neoplastic Syndromes, Hereditary; Hereditary neoplastic syndrome. Identifiers: Orphanet 140162, MedGen C0027672, MeSH D009386, MONDO:0015356.
Gastrointestinal stromal tumor. Also called: Gastrointestinal stromal tumor, somatic; Gastrointestinal stroma tumor. Identifiers: Orphanet 44890, MedGen C0238198, MeSH D046152, MONDO:0011719, OMIM 606764, HP:0100723.

Allele frequency attached by ClinVar (database versions not stated): gnomAD exomes 0.00006 and 0.00008; gnomAD 0.00007; TOPMed 0.00007; ExAC 0.00008.
gnomAD v4.1: 127 of 1,614,124 alleles (0.0079%); highest among the groups gnomAD compares: Non-Finnish European, 0.01%; no homozygotes.

Submissions (7):

Myriad Genetics, Inc.
Classification: Benign for Gastrointestinal stromal tumor. Last evaluated: 2026-06-02. Review status: criteria provided, single submitter. Criteria: Myriad Autosomal Dominant, Autosomal Recessive and X-Linked Classification Criteria (2023). Collection method: clinical testing. Allele origin: unknown.
Comment: This variant is considered benign. This variant is a silent/synonymous amino acid change and it is not expected to impact splicing.

CeGaT Center for Human Genetics Tuebingen
Classification: Likely benign. Last evaluated: 2026-04-01. Review status: criteria provided, single submitter. Criteria: CeGaT Center For Human Genetics Tuebingen Variant Classification Criteria Version 2. Collection method: clinical testing. Allele origin: germline. Affected: yes. Observed: 5 variant alleles.
Comment: KIT: BP4, BP7

Labcorp Genetics (formerly Invitae), Labcorp
Classification: Likely benign for Gastrointestinal stromal tumor. Last evaluated: 2026-01-28. Review status: criteria provided, single submitter. Criteria: Invitae Variant Classification Sherloc (09022015). Collection method: clinical testing. Allele origin: germline.

Laboratory of Genetics, Children's Clinical University Hospital Latvia
Classification: Likely benign. Last evaluated: 2025-02-16. Review status: criteria provided, single submitter. Criteria: ACMG Guidelines, 2015. Collection method: clinical testing. Allele origin: germline. Affected: yes.

Blueprint Genetics
Classification: Likely benign. Last evaluated: 2024-09-24. Review status: criteria provided, single submitter. Criteria: ACMG Guidelines, 2015. Collection method: clinical testing. Allele origin: germline.

Institute for Clinical Genetics, University Hospital TU Dresden, University Hospital TU Dresden
Classification: Uncertain significance. Last evaluated: 2021-11-03. Review status: criteria provided, single submitter. Criteria: ACMG Guidelines, 2015. Collection method: clinical testing. Allele origin: germline.

Ambry Genetics
Classification: Likely benign for Hereditary cancer-predisposing syndrome. Last evaluated: 2019-01-30. Review status: criteria provided, single submitter. Criteria: Ambry Variant Classification Scheme 2023. Collection method: clinical testing. Allele origin: germline.

NM_000222.3(KIT):c.297C>T (p.Asn99=)

Gene: KIT (KIT proto-oncogene, receptor tyrosine kinase; plus strand). Cytogenetic location: 4q12.
Variant type: single nucleotide variant.
Coding change: c.297C>T on transcript NM_000222.3 (MANE Select); coding-DNA position 297, C replaced by T.
Protein change: p.Asn99=; no amino-acid change (asparagine 99 retained).
Molecular consequence: synonymous variant.
Genome position (GRCh38, 1-based): chr4:54,695,741, C>T. VCF-style: chr4-54695741-C-T. GRCh37 (hg19) VCF-style: chr4-55561907-C-T.
Other names: c.297C>T, p.Asn99= (NM_001093772.2, NM_001385284.1, NM_001385285.1 and 4 more transcripts).
Identifiers: ClinVar variation 237273 (VCV000237273.43), dbSNP rs768599276, ClinGen allele CA2923198.